The following is an entry in ClinVar:

ClinVar aggregate classification (germline): Conflicting classifications of pathogenicity. Review status: criteria provided, conflicting classifications (1 of 4 stars). 2 submissions from 2 submitters: Uncertain significance (1); Likely benign (1). Last evaluated 2025-03-27.

Allele frequency attached by ClinVar (database versions not stated): TOPMed 0.00001; gnomAD exomes 0.00003; gnomAD 0.00001; ExAC 0.00002.
gnomAD v4.1: 38 of 1,613,600 alleles (0.0024%); highest among the groups gnomAD compares: Admixed American, 0.005%; no homozygotes.

Submissions (2):

Labcorp Genetics (formerly Invitae), Labcorp
Classification: Uncertain significance. Last evaluated: 2025-03-27. Review status: criteria provided, single submitter. Criteria: Invitae Variant Classification Sherloc (09022015). Collection method: clinical testing. Allele origin: germline.
Comment: This sequence change replaces arginine, which is basic and polar, with glutamine, which is neutral and polar, at codon 542 of the NIN protein (p.Arg542Gln). This variant is present in population databases (rs768962576, gnomAD 0.02%). This variant has not been reported in the literature in individuals affected with NIN-related conditions. ClinVar contains an entry for this variant (Variation ID: 1963319). An algorithm developed to predict the effect of missense changes on protein structure and function outputs the following: PolyPhen-2: "Benign". The glutamine amino acid residue is found in multiple mammalian species, which suggests that this missense change does not adversely affect protein function. In summary, the available evidence is currently insufficient to determine the role of this variant in disease. Therefore, it has been classified as a Variant of Uncertain Significance.

Ambry Genetics
Classification: Likely benign. Last evaluated: 2024-03-25. Review status: criteria provided, single submitter. Criteria: Ambry Variant Classification Scheme 2023. Collection method: clinical testing. Allele origin: germline.

NM_020921.4(NIN):c.1625G>A (p.Arg542Gln)

Gene: NIN (ninein; minus strand). Cytogenetic location: 14q22.1.
Variant type: single nucleotide variant.
Coding change: c.1625G>A on transcript NM_020921.4 (MANE Select); coding-DNA position 1625, G replaced by A.
Protein change: p.Arg542Gln; replaces arginine 542 with glutamine.
Molecular consequence: missense variant.
Genome position (GRCh38, 1-based): chr14:50,766,317, C>T on the plus strand (G>A on the coding strand, the complement: NIN is on the minus strand). VCF-style: chr14-50766317-C-T. GRCh37 (hg19) VCF-style: chr14-51233035-C-T.
Other names: c.1625G>A, p.Arg542Gln (NM_016350.5, NM_182944.3, NM_182946.2); c.1625G>A (NM_020921.3); short protein forms R542Q.
Identifiers: ClinVar variation 1963319 (VCV001963319.6), dbSNP rs768962576, ClinGen allele CA7182149.